The following is an entry in ClinVar:

NM_001040108.2(MLH3):c.1739A>G (p.Glu580Gly)

Gene: MLH3 (mutL homolog 3; minus strand). Cytogenetic location: 14q24.3.
Variant type: single nucleotide variant.
Coding change: c.1739A>G on transcript NM_001040108.2 (MANE Select); coding-DNA position 1739, A replaced by G.
Protein change: p.Glu580Gly; replaces glutamic acid 580 with glycine.
Molecular consequence: missense variant.
Genome position (GRCh38, 1-based): chr14:75,047,917, T>C on the plus strand (A>G on the coding strand, the complement: MLH3 is on the minus strand). VCF-style: chr14-75047917-T-C. GRCh37 (hg19) VCF-style: chr14-75514620-T-C.
Other names: c.1739A>G, p.Glu580Gly (NM_014381.3); c.1739A>G (NM_001040108.1); short protein forms E580G.
Identifiers: ClinVar variation 1018753 (VCV001018753.12), dbSNP rs768009140, ClinGen allele CA7275828.
Genomic context (GRCh38, chr14:75,047,917, plus strand): 5'-CGCCCATAACTAAAAACATTTCTTCTTCCACAATTGCTAGATTCTTTTTTTTTCTCTTTC[T>C]CTGTCTGAGCACTATGTACTCCCCATAATGTTGTTGCAAAAGGCAGAGGCTGGCATCCCA-3'
Protein context (NP_001035197.1, residues 570-590): TLWGVHSAQT[Glu580Gly]KEKKKESSNC

ClinVar aggregate classification (germline): Uncertain significance. Review status: criteria provided, multiple submitters, no conflicts (2 of 4 stars). 2 submissions from 2 submitters: Uncertain significance (2). Last evaluated 2025-08-09.

Conditions:
Colorectal cancer, hereditary nonpolyposis, type 7. Identifiers: Orphanet 144, MedGen C1858380, MONDO:0013725, OMIM 614385.

Allele frequency attached by ClinVar (database versions not stated): gnomAD exomes below 0.00001 and 0.00002; gnomAD 0.00001 and 0.00002; ExAC 0.00002; TOPMed 0.00003.
gnomAD v4.1: 10 of 1,613,690 alleles (0.00062%); highest among the groups gnomAD compares: African/African-American, 0.011%; no homozygotes.

Submissions (2):

Ambry Genetics
Classification: Uncertain significance. Last evaluated: 2025-08-09. Review status: criteria provided, single submitter. Criteria: Ambry Variant Classification Scheme 2023. Collection method: clinical testing. Allele origin: germline.

Labcorp Genetics (formerly Invitae), Labcorp
Classification: Uncertain significance for Colorectal cancer, hereditary nonpolyposis, type 7. Last evaluated: 2024-12-15. Review status: criteria provided, single submitter. Criteria: Invitae Variant Classification Sherloc (09022015). Collection method: clinical testing. Allele origin: germline.
Comment: This sequence change replaces glutamic acid, which is acidic and polar, with glycine, which is neutral and non-polar, at codon 580 of the MLH3 protein (p.Glu580Gly). This variant is present in population databases (rs768009140, gnomAD 0.03%). This variant has not been reported in the literature in individuals affected with MLH3-related conditions. ClinVar contains an entry for this variant (Variation ID: 1018753). An algorithm developed to predict the effect of missense changes on protein structure and function outputs the following: PolyPhen-2: "Benign". The glycine amino acid residue is found in multiple mammalian species, which suggests that this missense change does not adversely affect protein function. In summary, the available evidence is currently insufficient to determine the role of this variant in disease. Therefore, it has been classified as a Variant of Uncertain Significance.